The following is an entry in ClinVar:

ClinVar aggregate classification (germline): Uncertain significance (1 of 4 stars; one submission).

Conditions:
Hereditary cancer-predisposing syndrome. Also called: Neoplastic Syndromes, Hereditary; Tumor predisposition; Hereditary neoplastic syndrome; Hereditary Cancer Syndrome. Identifiers: Orphanet 140162, MedGen C0027672, MeSH D009386, MONDO:0015356.

Submission:

Ambry Genetics
Classification: Uncertain significance for Hereditary cancer-predisposing syndrome. Last evaluated: 2026-08-14. Review status: criteria provided, single submitter. Criteria: Ambry Variant Classification Scheme 2023. Collection method: clinical testing. Allele origin: germline.
Comment: The p.R10L variant (also known as c.29G>T), located in coding exon 1 of the MUTYH gene, results from a G to T substitution at nucleotide position 29. The arginine at codon 10 is replaced by leucine, an amino acid with dissimilar properties. This amino acid position is poorly conserved in available vertebrate species. In addition, this alteration is predicted to be tolerated by in silico analysis. Based on the available evidence, the clinical significance of this variant remains unclear.

NM_001128425.2(MUTYH):c.29G>T (p.Arg10Leu)

Genes: MUTYH (mutY DNA glycosylase; minus strand), TOE1 (target of EGR1, exonuclease; plus strand). Cytogenetic location: 1p34.1.
Variant type: single nucleotide variant.
Coding change: c.29G>T on transcript NM_001128425.2 (MANE Plus Clinical); coding-DNA position 29, G replaced by T.
Protein change: p.Arg10Leu; replaces arginine 10 with leucine.
Molecular consequence: missense variant. On other transcripts: 5 prime UTR variant (8), non-coding transcript variant (3).
Genome position (GRCh38, 1-based): chr1:45,340,226, C>A on the plus strand (G>T on the coding strand, the complement: MUTYH is on the minus strand). VCF-style: chr1-45340226-C-A. GRCh37 (hg19) VCF-style: chr1-45805898-C-A.
Other names: c.-27C>A (NM_025077.4); c.-14G>T (NM_001048171.2); c.29G>T, p.Arg10Leu (NM_001293190.2, NM_001407069.1, NM_001407073.1 and 1 more transcripts); c.-226G>T (NM_001293192.2); c.-285G>T (NM_001350650.2); c.-221G>T (NM_001350651.2); c.-30G>T (NM_001407070.1, NM_001407071.1); c.-10G>T (NM_001407072.1); short protein forms R10L.
Identifiers: ClinVar variation 5025004 (VCV005025004.1).